The following is an entry in ClinVar:

ClinVar aggregate classification (germline): Uncertain significance. Review status: criteria provided, single submitter (1 of 4 stars). 2 submissions from 2 submitters: Uncertain significance (1). 1 of the submissions does not count toward it. Last evaluated 2024-12-18.

Conditions:
Hypoplastic enamel-onycholysis-hypohidrosis syndrome (TNS). Also called: ECTODERMAL DYSPLASIA 3, WITKOP TYPE; WITKOP SYNDROME; NAIL DYSPLASIA WITH HYPODONTIA; ECTODERMAL DYSPLASIA 3, TOOTH/NAIL TYPE; Tooth-and-Nail Syndrome. Identifiers: Orphanet 2228, MedGen C0406735, MONDO:0008582, OMIM 189500.
Orofacial cleft 5 (OFC5). Also called: CLEFT LIP WITH OR WITHOUT CLEFT PALATE, NONSYNDROMIC, 5. Identifiers: MedGen C1837210, MONDO:0012142, OMIM 608874.

Allele frequency attached by ClinVar (database versions not stated): TOPMed 0.00006; gnomAD exomes below 0.00001 and 0.00001.
gnomAD v4.1: 22 of 1,509,688 alleles (0.0015%); highest among the groups gnomAD compares: Admixed American, 0.011%; no homozygotes.

Submissions (2):

Labcorp Genetics (formerly Invitae), Labcorp
Classification: Uncertain significance for Hypoplastic enamel-onycholysis-hypohidrosis syndrome. Last evaluated: 2024-12-18. Review status: criteria provided, single submitter. Criteria: Invitae Variant Classification Sherloc (09022015). Collection method: clinical testing. Allele origin: germline.
Comment: This sequence change replaces glutamic acid, which is acidic and polar, with valine, which is neutral and non-polar, at codon 84 of the MSX1 protein (p.Glu84Val). This variant is present in population databases (rs28928890, gnomAD 0.05%). This missense change has been observed in individual(s) with clinical features of tooth agenesis (internal data). ClinVar contains an entry for this variant (Variation ID: 14883). Invitae Evidence Modeling of protein sequence and biophysical properties (such as structural, functional, and spatial information, amino acid conservation, physicochemical variation, residue mobility, and thermodynamic stability) indicates that this missense variant is not expected to disrupt MSX1 protein function with a negative predictive value of 80%. In summary, the available evidence is currently insufficient to determine the role of this variant in disease. Therefore, it has been classified as a Variant of Uncertain Significance.

OMIM
Classification: Pathogenic for OROFACIAL CLEFT 5. Last evaluated: 2003-06-01. Review status: no assertion criteria provided. Collection method: literature only. Allele origin: germline. Not counted in ClinVar's aggregate classification.

Literature cited by the submitters: PubMed 12807959 (cited by OMIM).

NM_002448.3(MSX1):c.251A>T (p.Glu84Val)

Genes: MSX1 (msh homeobox 1; plus strand), LOC129992137 (ATAC-STARR-seq lymphoblastoid silent region 15219; plus strand). Cytogenetic location: 4p16.2.
Variant type: single nucleotide variant.
Coding change: c.251A>T on transcript NM_002448.3 (MANE Select); coding-DNA position 251, A replaced by T.
Protein change: p.Glu84Val; replaces glutamic acid 84 with valine.
Molecular consequence: missense variant.
Genome position (GRCh38, 1-based): chr4:4,860,150, A>T. VCF-style: chr4-4860150-A-T. GRCh37 (hg19) VCF-style: chr4-4861877-A-T.
Other names: E78V; short protein forms E84V.
Identifiers: ClinVar variation 14883 (VCV000014883.9), dbSNP rs28928890, ClinGen allele CA124430.